The following is an entry in ClinVar:

NM_139057.4(ADAMTS17):c.2379A>T (p.Glu793Asp)

Gene: ADAMTS17 (ADAM metallopeptidase with thrombospondin type 1 motif 17; minus strand). Cytogenetic location: 15q26.3.
Variant type: single nucleotide variant.
Coding change: c.2379A>T on transcript NM_139057.4 (MANE Select); coding-DNA position 2379, A replaced by T.
Protein change: p.Glu793Asp; replaces glutamic acid 793 with aspartic acid.
Molecular consequence: missense variant.
Genome position (GRCh38, 1-based): chr15:100,051,648, T>A on the plus strand (A>T on the coding strand, the complement: ADAMTS17 is on the minus strand). VCF-style: chr15-100051648-T-A. GRCh37 (hg19) VCF-style: chr15-100591853-T-A.
Other names: short protein forms E793D.
Identifiers: ClinVar variation 2414310 (VCV002414310.2), dbSNP rs751904016, ClinGen allele CA7757753.
Genomic context (GRCh38, chr15:100,051,648, plus strand): 5'-ACTGCACCCTTCCCAGCCGCTGTGGGTCCAGATGAACAAAGAGTCCTGCGGTTTTTCTGG[T>A]TCGCTTTGATTTTCCGCAGTGCGGTTTACAGGAACAGTGTATTCATAATGAATTCCATAA-3'
Protein context (NP_620688.2, residues 783-803): PVNRTAENQS[Glu793Asp]PEKPQDSLFI

ClinVar aggregate classification (germline): Uncertain significance (1 of 4 stars; one submission).

Allele frequency attached by ClinVar (database versions not stated): TOPMed 0.00001; ExAC 0.00002; gnomAD 0.00003.
gnomAD v4.1: 27 of 1,614,026 alleles (0.0017%); highest among the groups gnomAD compares: Non-Finnish European, 0.0022%; no homozygotes.

Submission:

Labcorp Genetics (formerly Invitae), Labcorp
Classification: Uncertain significance. Last evaluated: 2022-06-13. Review status: criteria provided, single submitter. Criteria: Invitae Variant Classification Sherloc (09022015). Collection method: clinical testing. Allele origin: germline.
Comment: This sequence change replaces glutamic acid, which is acidic and polar, with aspartic acid, which is acidic and polar, at codon 793 of the ADAMTS17 protein (p.Glu793Asp). This variant is present in population databases (rs751904016, gnomAD 0.005%). This variant has not been reported in the literature in individuals affected with ADAMTS17-related conditions. Algorithms developed to predict the effect of missense changes on protein structure and function are either unavailable or do not agree on the potential impact of this missense change (SIFT: "Not Available"; PolyPhen-2: "Possibly Damaging"; Align-GVGD: "Not Available"). In summary, the available evidence is currently insufficient to determine the role of this variant in disease. Therefore, it has been classified as a Variant of Uncertain Significance.